The following is an entry in ClinVar:

ClinVar aggregate classification (germline): Uncertain significance. Review status: criteria provided, multiple submitters, no conflicts (2 of 4 stars). 2 submissions from 2 submitters: Uncertain significance (2). Last evaluated 2025-01-19.

Submissions (2):

Labcorp Genetics (formerly Invitae), Labcorp
Classification: Uncertain significance. Last evaluated: 2025-01-19. Review status: criteria provided, single submitter. Criteria: Invitae Variant Classification Sherloc (09022015). Collection method: clinical testing. Allele origin: germline.
Comment: This sequence change replaces valine, which is neutral and non-polar, with methionine, which is neutral and non-polar, at codon 319 of the NCKAP1L protein (p.Val319Met). This variant is present in population databases (rs140186453, gnomAD 0.02%). This variant has not been reported in the literature in individuals affected with NCKAP1L-related conditions. An algorithm developed to predict the effect of missense changes on protein structure and function (PolyPhen-2) suggests that this variant is likely to be disruptive. In summary, the available evidence is currently insufficient to determine the role of this variant in disease. Therefore, it has been classified as a Variant of Uncertain Significance.

Ambry Genetics
Classification: Uncertain significance. Last evaluated: 2024-12-04. Review status: criteria provided, single submitter. Criteria: Ambry Variant Classification Scheme 2023. Collection method: clinical testing. Allele origin: germline.

NM_005337.5(NCKAP1L):c.955G>A (p.Val319Met)

Gene: NCKAP1L (NCK associated protein 1 like; plus strand). Cytogenetic location: 12q13.2.
Variant type: single nucleotide variant.
Coding change: c.955G>A on transcript NM_005337.5 (MANE Select); coding-DNA position 955, G replaced by A.
Protein change: p.Val319Met; replaces valine 319 with methionine.
Molecular consequence: missense variant.
Genome position (GRCh38, 1-based): chr12:54,516,252, G>A. VCF-style: chr12-54516252-G-A. GRCh37 (hg19) VCF-style: chr12-54910036-G-A.
Other names: c.805G>A, p.Val269Met (NM_001184976.2); short protein forms V319M, V269M.
Identifiers: ClinVar variation 3403364 (VCV003403364.3).